The following is an entry in ClinVar:

ClinVar aggregate classification (germline): Likely pathogenic (1 of 4 stars; one submission).

Submission:

Labcorp Genetics (formerly Invitae), Labcorp
Classification: Likely pathogenic. Last evaluated: 2025-11-11. Review status: criteria provided, single submitter. Criteria: Invitae Variant Classification Sherloc (09022015). Collection method: clinical testing. Allele origin: germline.
Comment: This sequence change affects an acceptor splice site in intron 7 of the TNFRSF9 gene. It is expected to disrupt RNA splicing. Variants that disrupt the donor or acceptor splice site typically lead to a loss of protein function (PMID: 16199547), and loss-of-function variants in TNFRSF9 are known to be pathogenic (PMID: 30872117, 31501153). This variant is not present in population databases (gnomAD no frequency). This variant has not been reported in the literature in individuals affected with TNFRSF9-related conditions. ClinVar contains an entry for this variant (Variation ID: 1465455). Algorithms developed to predict the effect of sequence changes on RNA splicing suggest that this variant may disrupt the consensus splice site. In summary, the currently available evidence indicates that the variant is pathogenic, but additional data are needed to prove that conclusively. Therefore, this variant has been classified as Likely Pathogenic.

Literature cited by the submitters: PubMed 16199547; PubMed 30872117; PubMed 31501153.

NM_001561.6(TNFRSF9):c.545-1G>A

Gene: TNFRSF9 (TNF receptor superfamily member 9; minus strand). Cytogenetic location: 1p36.23.
Variant type: single nucleotide variant.
Coding change: c.545-1G>A on transcript NM_001561.6 (MANE Select); the canonical splice acceptor site of the intron before coding-DNA position 545, G replaced by A.
Molecular consequence: splice acceptor variant.
Genome position (GRCh38, 1-based): chr1:7,933,297, C>T on the plus strand (G>A on the coding strand, the complement: TNFRSF9 is on the minus strand). VCF-style: chr1-7933297-C-T. GRCh37 (hg19) VCF-style: chr1-7993357-C-T.
Identifiers: ClinVar variation 1465455 (VCV001465455.6), dbSNP rs2151417795, ClinGen allele CA338158184.